The following is an entry in ClinVar:

NC_000017.10:g.(?_3558272)_(3560109_?)del

Gene: CTNS (cystinosin, lysosomal cystine transporter; plus strand). Cytogenetic location: 17p13.2.
Variant type: Deletion.
Identifiers: ClinVar variation 2425241 (VCV002425241.3).

ClinVar aggregate classification (germline): Pathogenic (1 of 4 stars; one submission).

Conditions:
Inborn genetic diseases. Identifiers: MedGen C0950123, MeSH D030342.
Juvenile nephropathic cystinosis. Also called: Intermediate Cystinosis; CYSTINOSIS, LATE-ONSET JUVENILE OR ADOLESCENT NEPHROPATHIC TYPE; Later-Onset (Juvenile) Cystinosis. Identifiers: Orphanet 213, Orphanet 411634, MedGen C0268626, MONDO:0009066, OMIM 219900.
Ocular cystinosis. Also called: Non-Nephropathic Cystinosis; Non-Nephropathic (Ocular) Cystinosis. Identifiers: Orphanet 213, Orphanet 411641, MedGen C2931013, MONDO:0009064, OMIM 219750.

Submission:

Labcorp Genetics (formerly Invitae), Labcorp
Classification: Pathogenic for Inborn genetic diseases; Ocular cystinosis; Juvenile nephropathic cystinosis. Last evaluated: 2022-09-21. Review status: criteria provided, single submitter. Criteria: Invitae Variant Classification Sherloc (09022015). Collection method: clinical testing. Allele origin: germline.
Comment: This variant is a gross deletion of the genomic region encompassing exon(s) 6-9 of the CTNS gene. This variant would be expected to be in-frame, preserving the integrity of the reading frame. A similar copy number variant has been observed in individual(s) with cystinosis (Invitae). This variant disrupts a region of the CTNS protein in which other variant(s) (p.Ser141Phe) have been determined to be pathogenic (PMID: 15128704, 19852576, 25326109, 29467429). This suggests that this is a clinically significant region of the protein, and that variants that disrupt it are likely to be disease-causing. For these reasons, this variant has been classified as Pathogenic.

Literature cited by the submitters: PubMed 15128704; PubMed 19852576; PubMed 25326109; PubMed 29467429.